The following is an entry in ClinVar:

NM_001374736.1(DST):c.15262G>A (p.Ala5088Thr)

Gene: DST (dystonin; minus strand). Cytogenetic location: 6p12.1.
Variant type: single nucleotide variant.
Coding change: c.15262G>A on transcript NM_001374736.1 (MANE Select); coding-DNA position 15262, G replaced by A.
Protein change: p.Ala5088Thr; replaces alanine 5088 with threonine.
Molecular consequence: missense variant.
Genome position (GRCh38, 1-based): chr6:56,553,530, C>T on the plus strand (G>A on the coding strand, the complement: DST is on the minus strand). VCF-style: chr6-56553530-C-T. GRCh37 (hg19) VCF-style: chr6-56418328-C-T.
Other names: c.8905G>A, p.Ala2969Thr (NM_001144769.5); c.8491G>A, p.Ala2831Thr (NM_001144770.2); c.15262G>A, p.Ala5088Thr (NM_001374722.1); c.14629G>A, p.Ala4877Thr (NM_001374729.1); c.8371G>A, p.Ala2791Thr (NM_001374730.1, NM_183380.4); c.15289G>A, p.Ala5097Thr (NM_001374734.1); c.7393G>A, p.Ala2465Thr (NM_015548.5); short protein forms A4877T, A5088T, A2969T, A2465T, A2791T, A2831T, A5097T.
Identifiers: ClinVar variation 972094 (VCV000972094.10), dbSNP rs2097352781, ClinGen allele CA364517661.

ClinVar aggregate classification (germline): Uncertain significance (1 of 4 stars; one submission).

Conditions:
Epidermolysis bullosa simplex 3, localized or generalized intermediate, with BP230 deficiency (EBS3). Also called: Epidermolysis bullosa simplex, autosomal recessive 2; Epidermolysis bullosa simplex due to BP230 deficiency. Identifiers: Orphanet 412181, MedGen C3809470, MONDO:0014180, OMIM 615425.
Hereditary sensory and autonomic neuropathy type 6. Also called: Neuropathy, hereditary sensory and autonomic, type VI; HSAN VI. Identifiers: Orphanet 314381, MedGen C3539003, MONDO:0013839, OMIM 614653.

Submission:

Labcorp Genetics (formerly Invitae), Labcorp
Classification: Uncertain significance for Epidermolysis bullosa simplex 3, localized or generalized intermediate, with BP230 deficiency; Hereditary sensory and autonomic neuropathy type 6. Last evaluated: 2022-02-24. Review status: criteria provided, single submitter. Criteria: Invitae Variant Classification Sherloc (09022015). Collection method: clinical testing. Allele origin: germline.
Comment: The DST gene has multiple clinically relevant transcripts. This variant occurs in alternate transcript NM_015548.4, and corresponds to NM_001723.5:c.*61987G>A in the primary transcript. This sequence change replaces alanine, which is neutral and non-polar, with threonine, which is neutral and polar, at codon 2465 of the DST protein (p.Ala2465Thr). This variant is not present in population databases (gnomAD no frequency). This variant has not been reported in the literature in individuals affected with DST-related conditions. Experimental studies and prediction algorithms are not available or were not evaluated, and the functional significance of this variant is currently unknown. In summary, the available evidence is currently insufficient to determine the role of this variant in disease. Therefore, it has been classified as a Variant of Uncertain Significance.